The following is an entry in ClinVar:

NM_001166108.2(PALLD):c.2527A>G (p.Ile843Val)

Genes: CBR4 (carbonyl reductase 4; minus strand), PALLD (palladin, cytoskeletal associated protein; plus strand). Cytogenetic location: 4q32.3.
Variant type: single nucleotide variant.
Coding change: c.2527A>G on transcript NM_001166108.2 (MANE Select); coding-DNA position 2527, A replaced by G.
Protein change: p.Ile843Val; replaces isoleucine 843 with valine.
Molecular consequence: missense variant.
Genome position (GRCh38, 1-based): chr4:168,903,811, A>G. VCF-style: chr4-168903811-A-G. GRCh37 (hg19) VCF-style: chr4-169824962-A-G.
Other names: p.I826V:ATT>GTT; c.1330A>G, p.Ile444Val (NM_001166109.2); c.1015A>G, p.Ile339Val (NM_001166110.2); c.355A>G, p.Ile119Val (NM_001367567.1, NM_001367569.1); c.406A>G, p.Ile136Val (NM_001367568.1, NM_001367570.1); c.2476A>G, p.Ile826Val (NM_016081.4); short protein forms I826V, I843V, I444V, I136V, I339V, I119V.
Identifiers: ClinVar variation 128104 (VCV000128104.10), dbSNP rs587780198, ClinGen allele CA288359.

ClinVar aggregate classification (germline): Uncertain significance. Review status: criteria provided, multiple submitters, no conflicts (2 of 4 stars). 3 submissions from 3 submitters: Uncertain significance (3). Last evaluated 2024-04-24.

Conditions:
Pancreatic adenocarcinoma. Identifiers: MedGen C0281361, MONDO:0006047, HP:0006725.

Allele frequency attached by ClinVar (database versions not stated): gnomAD exomes below 0.00001.
gnomAD v4.1: 1 of 1,611,500 alleles (0.000062%); highest among the groups gnomAD compares: Non-Finnish European, 0.000085%; no homozygotes.

Submissions (3):

Ambry Genetics
Classification: Uncertain significance. Last evaluated: 2024-04-24. Review status: criteria provided, single submitter. Criteria: Ambry Variant Classification Scheme 2023. Collection method: clinical testing. Allele origin: germline.
Comment: The p.I826V variant (also known as c.2476A>G), located in coding exon 13 of the PALLD gene, results from an A to G substitution at nucleotide position 2476. The isoleucine at codon 826 is replaced by valine, an amino acid with highly similar properties. This amino acid position is conserved. In addition, this alteration is predicted to be tolerated by in silico analysis. Based on the available evidence, the clinical significance of this variant remains unclear.

Labcorp Genetics (formerly Invitae), Labcorp
Classification: Uncertain significance for Pancreatic adenocarcinoma. Last evaluated: 2021-06-14. Review status: criteria provided, single submitter. Criteria: Invitae Variant Classification Sherloc (09022015). Collection method: clinical testing. Allele origin: germline.
Comment: This sequence change replaces isoleucine with valine at codon 339 of the PALLD protein (p.Ile339Val). The isoleucine residue is highly conserved and there is a small physicochemical difference between isoleucine and valine. This variant is not present in population databases (ExAC no frequency). This variant has not been reported in the literature in individuals with PALLD-related conditions. ClinVar contains an entry for this variant (Variation ID: 128104). Algorithms developed to predict the effect of missense changes on protein structure and function are either unavailable or do not agree on the potential impact of this missense change (SIFT: "Tolerated"; PolyPhen-2: "Probably Damaging"; Align-GVGD: "Class C0"). In summary, the available evidence is currently insufficient to determine the role of this variant in disease. Therefore, it has been classified as a Variant of Uncertain Significance.

GeneDx
Classification: Uncertain significance. Last evaluated: 2013-12-26. Review status: criteria provided, single submitter. Criteria: GeneDx Variant Classification (06012015). Collection method: clinical testing. Allele origin: germline. Affected: yes.
Comment: PALLD has been only recently described in association with pancreatic cancer and the risks are not well understood. This variant is denoted PALLD c.2476A>G at the cDNA level, p.Ile826Val (I826V) at the protein level, and results in the change of an Isoleucine to a Valine (ATT>GTT). This variant has not, to our knowledge, been published in the literature as pathogenic or benign. PALLD Ile826Val was not observed in approximately 6,500 individuals of European and African American ancestry in the NHLBI Exome Sequencing Project, indicating it is not a common benign variant in these populations. This variant is a conservative substitution of one neutral non-polar amino acid for another, altering a position that is only moderately conserved throughout evolution and is located in the region for interaction with EPS8, ARGBP2, SPIN90, SRC, and PFN1 (UniProt). In silico analyses predict this variant to have a benign effect on protein structure and function. On a molecular level, the impact of this missense variant on protein structure and function is not known and thus we consider this to be a variant of uncertain significance. Furthermore, based on the currently available information, cancer risks associated with this variant, and the PALLD gene, remain unclear.